The following is an entry in ClinVar:

ClinVar aggregate classification (germline): Uncertain significance (1 of 4 stars; one submission).

gnomAD v4.1: 3 of 1,614,024 alleles (0.00019%); highest among the groups gnomAD compares: Non-Finnish European, 0.00025%; no homozygotes.

Submission:

Mayo Clinic Laboratories, Mayo Clinic
Classification: Uncertain significance. Last evaluated: 2022-08-30. Review status: criteria provided, single submitter. Criteria: ACMG Guidelines, 2015. Collection method: clinical testing. Allele origin: germline. Observed: 1 variant allele.
Comment: PM2

NM_002693.3(POLG):c.1591G>C (p.Gly531Arg)

Gene: POLG (DNA polymerase gamma, catalytic subunit; minus strand). Cytogenetic location: 15q26.1.
Variant type: single nucleotide variant.
Coding change: c.1591G>C on transcript NM_002693.3 (MANE Select); coding-DNA position 1591, G replaced by C.
Protein change: p.Gly531Arg; replaces glycine 531 with arginine.
Molecular consequence: missense variant.
Genome position (GRCh38, 1-based): chr15:89,326,733, C>G on the plus strand (G>C on the coding strand, the complement: POLG is on the minus strand). VCF-style: chr15-89326733-C-G. GRCh37 (hg19) VCF-style: chr15-89869964-C-G.
Other names: p.Gly531Arg; c.1591G>C, p.Gly531Arg (NM_001126131.2); short protein forms G531R.
Identifiers: ClinVar variation 2683326 (VCV002683326.1), dbSNP rs796052904, ClinGen allele CA393760673.